The following is an entry in ClinVar:

NM_006421.5(ARFGEF1):c.1867A>G (p.Met623Val)

Gene: ARFGEF1 (ARF guanine nucleotide exchange factor 1; minus strand). Cytogenetic location: 8q13.2.
Variant type: single nucleotide variant.
Coding change: c.1867A>G on transcript NM_006421.5 (MANE Select); coding-DNA position 1867, A replaced by G.
Protein change: p.Met623Val; replaces methionine 623 with valine.
Molecular consequence: missense variant. On other transcripts: non-coding transcript variant (1).
Genome position (GRCh38, 1-based): chr8:67,266,930, T>C on the plus strand (A>G on the coding strand, the complement: ARFGEF1 is on the minus strand). VCF-style: chr8-67266930-T-C. GRCh37 (hg19) VCF-style: chr8-68179165-T-C.
Other names: c.1867A>G, p.Met623Val (NM_001413185.1, NM_001413186.1, NM_001413187.1 and 7 more transcripts); c.1267A>G, p.Met423Val (NM_001413188.1, NM_001413193.1, NM_001413197.1); c.442A>G, p.Met148Val (NM_001413196.1); short protein forms M148V, M423V, M623V.
Identifiers: ClinVar variation 4278766 (VCV004278766.2).

ClinVar aggregate classification (germline): Uncertain significance (1 of 4 stars; one submission).

gnomAD v4.1: 2 of 1,613,628 alleles (0.00012%); highest among the groups gnomAD compares: Non-Finnish European, 0.000085%; no homozygotes.

Submission:

GeneDx
Classification: Uncertain significance. Last evaluated: 2025-10-31. Review status: criteria provided, single submitter. Criteria: GeneDx Variant Classification Process June 2021. Collection method: clinical testing. Allele origin: germline.
Comment: Not observed at significant frequency in large population cohorts (gnomAD); In silico analysis supports that this missense variant has a deleterious effect on protein structure/function; Has not been previously published as pathogenic or benign to our knowledge